The following is an entry in ClinVar:

NM_000127.3(EXT1):c.917dup (p.His307fs)

Gene: EXT1 (exostosin glycosyltransferase 1; minus strand). Cytogenetic location: 8q24.11.
Variant type: Duplication.
Coding change: c.917dup on transcript NM_000127.3 (MANE Select); coding-DNA position 917, one base duplicated (A; older notation c.917dupA).
Protein change: p.His307fs; shifts the reading frame from histidine 307.
Molecular consequence: frameshift variant.
Genome position (GRCh38, 1-based): chr8:118,110,130, T duplicated on the plus strand (A on the coding strand, the reverse complement: EXT1 is on the minus strand); the first of 4 consecutive T bases (chr8:118,110,130-118,110,133); duplicating any one gives the same sequence. VCF-style (leftmost placement, unchanged base first): chr8-118110129-C-CT. GRCh37 (hg19) VCF-style: chr8-119122368-C-CT.
Other names: c.917dupA (NM_000127.2); c.917dup (NM_000127.2); short protein forms H307fs.
Identifiers: ClinVar variation 423122 (VCV000423122.3), dbSNP rs1554601473, ClinGen allele CA16618588.

ClinVar aggregate classification (germline): Pathogenic (1 of 4 stars; one submission).

Submission:

GeneDx
Classification: Pathogenic. Last evaluated: 2025-02-04. Review status: criteria provided, single submitter. Criteria: GeneDx Variant Classification Process June 2021. Collection method: clinical testing. Allele origin: germline. Affected: yes.
Comment: Frameshift variant predicted to result in protein truncation or nonsense mediated decay in a gene for which loss of function is a known mechanism of disease; Not observed at significant frequency in large population cohorts (gnomAD); Has not been previously published as pathogenic or benign to our knowledge